The following is an entry in ClinVar:

ClinVar aggregate classification (germline): Likely benign. Review status: criteria provided, multiple submitters, no conflicts (2 of 4 stars). 3 submissions from 3 submitters: Likely benign (3). Last evaluated 2026-02-03.

Conditions:
Rhabdoid tumor predisposition syndrome 2 (RTPS2). Identifiers: Orphanet 231108, Orphanet 69077, MedGen C2750074, MONDO:0013224, OMIM 613325.

Allele frequency attached by ClinVar (database versions not stated): ExAC 0.00003; gnomAD exomes 0.00003; gnomAD 0.00007; ESP Exome Variant Server 0.00008; TOPMed 0.00010.
gnomAD v4.1: 50 of 1,584,934 alleles (0.0032%); highest among the groups gnomAD compares: African/African-American, 0.031%; no homozygotes.

Submissions (3):

Labcorp Genetics (formerly Invitae), Labcorp
Classification: Likely benign for Rhabdoid tumor predisposition syndrome 2. Last evaluated: 2026-02-03. Review status: criteria provided, single submitter. Criteria: Invitae Variant Classification Sherloc (09022015). Collection method: clinical testing. Allele origin: germline.

ARUP Laboratories, Molecular Genetics and Genomics, ARUP Laboratories
Classification: Likely benign. Last evaluated: 2024-12-26. Review status: criteria provided, single submitter. Criteria: ARUP Molecular Germline Variant Investigation Process 2024. Collection method: clinical testing. Allele origin: germline.

GeneDx
Classification: Likely benign. Last evaluated: 2017-08-08. Review status: criteria provided, single submitter. Criteria: GeneDx Variant Classification (06012015). Collection method: clinical testing. Allele origin: germline. Affected: yes.
Comment: This variant is considered likely benign or benign based on one or more of the following criteria: it is a conservative change, it occurs at a poorly conserved position in the protein, it is predicted to be benign by multiple in silico algorithms, and/or has population frequency not consistent with disease.

NM_003072.5(SMARCA4):c.3774+20C>T

Gene: SMARCA4 (SWI/SNF related BAF chromatin remodeling complex subunit ATPase 4; plus strand). Cytogenetic location: 19p13.2.
Variant type: single nucleotide variant.
Coding change: c.3774+20C>T on transcript NM_003072.5 (MANE Select); 20 bases into the intron after coding-DNA position 3774, C replaced by T.
Molecular consequence: intron variant.
Genome position (GRCh38, 1-based): chr19:11,033,537, C>T. VCF-style: chr19-11033537-C-T. GRCh37 (hg19) VCF-style: chr19-11144213-C-T.
Other names: c.3774+20C>T (NM_001128844.3, NM_001128849.3, NM_001128847.4 and 5 more transcripts).
Identifiers: ClinVar variation 511305 (VCV000511305.9), dbSNP rs377640724, ClinGen allele CA9204503.
Genomic context (GRCh38, chr19:11,033,537, plus strand): 5'-CCTTCCTGCAGGCCATCCTGGAGCACGAGGAGCAGGATGAGGTGAGCCCAGCACCGGCCC[C>T]GACCCCTCCCCAGCGTGAATGGTGGACGCGTGAGCGGCTTTCATTTTTGTTTTTTTACCT-3'